The following is an entry in ClinVar:

ClinVar aggregate classification (germline): Uncertain significance (1 of 4 stars; one submission).

gnomAD v4.1: 1 of 1,581,182 alleles (0.000063%); highest among the groups gnomAD compares: East Asian, 0.0022%; no homozygotes.

Submission:

Labcorp Genetics (formerly Invitae), Labcorp
Classification: Uncertain significance. Last evaluated: 2022-08-12. Review status: criteria provided, single submitter. Criteria: Invitae Variant Classification Sherloc (09022015). Collection method: clinical testing. Allele origin: germline.
Comment: This sequence change replaces threonine, which is neutral and polar, with isoleucine, which is neutral and non-polar, at codon 1030 of the EIF2AK3 protein (p.Thr1030Ile). This variant is not present in population databases (gnomAD no frequency). This variant has not been reported in the literature in individuals affected with EIF2AK3-related conditions. Algorithms developed to predict the effect of missense changes on protein structure and function output the following: SIFT: "Tolerated"; PolyPhen-2: "Benign"; Align-GVGD: "Class C0". The isoleucine amino acid residue is found in multiple mammalian species, which suggests that this missense change does not adversely affect protein function. In summary, the available evidence is currently insufficient to determine the role of this variant in disease. Therefore, it has been classified as a Variant of Uncertain Significance.

NM_004836.7(EIF2AK3):c.3089C>T (p.Thr1030Ile)

Genes: EIF2AK3 (eukaryotic translation initiation factor 2 alpha kinase 3; minus strand), EIF2AK3-AS1 (EIF2AK3 antisense RNA 1; plus strand). Cytogenetic location: 2p11.2.
Variant type: single nucleotide variant.
Coding change: c.3089C>T on transcript NM_004836.7 (MANE Select); coding-DNA position 3089, C replaced by T.
Protein change: p.Thr1030Ile; replaces threonine 1030 with isoleucine.
Molecular consequence: missense variant.
Genome position (GRCh38, 1-based): chr2:88,558,978, G>A on the plus strand (C>T on the coding strand, the complement: EIF2AK3 is on the minus strand). VCF-style: chr2-88558978-G-A. GRCh37 (hg19) VCF-style: chr2-88858496-G-A.
Other names: c.2636C>T, p.Thr879Ile (NM_001313915.2); short protein forms T1030I, T879I.
Identifiers: ClinVar variation 2011891 (VCV002011891.1), dbSNP rs2529090046, ClinGen allele CA347584456.